The following is an entry in ClinVar:

ClinVar aggregate classification (germline): Uncertain significance. Review status: criteria provided, multiple submitters, no conflicts (2 of 4 stars). 4 submissions from 4 submitters: Uncertain significance (4). Last evaluated 2024-08-08.

Conditions:
Tuberous sclerosis 2 (TSC2). Identifiers: Orphanet 805, MedGen C1860707, MONDO:0013199, OMIM 613254.
Hereditary cancer-predisposing syndrome. Also called: Hereditary neoplastic syndrome; Tumor predisposition; Neoplastic Syndromes, Hereditary; Hereditary Cancer Syndrome. Identifiers: Orphanet 140162, MedGen C0027672, MeSH D009386, MONDO:0015356.

Allele frequency attached by ClinVar (database versions not stated): gnomAD exomes below 0.00001.
gnomAD v4.1: 1 of 1,612,668 alleles (0.000062%); highest among the groups gnomAD compares: Admixed American, 0.0017%; no homozygotes.

Submissions (4):

Labcorp Genetics (formerly Invitae), Labcorp
Classification: Uncertain significance for Tuberous sclerosis 2. Last evaluated: 2024-08-08. Review status: criteria provided, single submitter. Criteria: Invitae Variant Classification Sherloc (09022015). Collection method: clinical testing. Allele origin: germline.
Comment: This sequence change replaces arginine, which is basic and polar, with tryptophan, which is neutral and slightly polar, at codon 990 of the TSC2 protein (p.Arg990Trp). This variant is present in population databases (no rsID available, gnomAD 0.003%). This variant has not been reported in the literature in individuals affected with TSC2-related conditions. ClinVar contains an entry for this variant (Variation ID: 1474281). An algorithm developed to predict the effect of missense changes on protein structure and function (PolyPhen-2) suggests that this variant is likely to be disruptive. In summary, the available evidence is currently insufficient to determine the role of this variant in disease. Therefore, it has been classified as a Variant of Uncertain Significance.

Ambry Genetics
Classification: Uncertain significance for Hereditary cancer-predisposing syndrome. Last evaluated: 2024-02-02. Review status: criteria provided, single submitter. Criteria: Ambry Variant Classification Scheme 2023. Collection method: clinical testing. Allele origin: germline.
Comment: The p.R990W variant (also known as c.2968A>T), located in coding exon 26 of the TSC2 gene, results from an A to T substitution at nucleotide position 2968. The arginine at codon 990 is replaced by tryptophan, an amino acid with dissimilar properties. This amino acid position is highly conserved in available vertebrate species. In addition, this alteration is predicted to be deleterious by in silico analysis. Based on the available evidence, the clinical significance of this alteration remains unclear.

Quest Diagnostics Nichols Institute San Juan Capistrano
Classification: Uncertain significance. Last evaluated: 2024-01-09. Review status: criteria provided, single submitter. Criteria: Quest Diagnostics criteria. Collection method: clinical testing. Allele origin: unknown.

GeneDx
Classification: Uncertain significance. Last evaluated: 2022-03-02. Review status: criteria provided, single submitter. Criteria: GeneDx Variant Classification Process June 2021. Collection method: clinical testing. Allele origin: germline. Affected: yes.
Comment: In silico analysis supports that this missense variant has a deleterious effect on protein structure/function; Has not been previously published as pathogenic or benign to our knowledge

NM_000548.5(TSC2):c.2968A>T (p.Arg990Trp)

Gene: TSC2 (TSC complex subunit 2; plus strand). Cytogenetic location: 16p13.3.
Variant type: single nucleotide variant.
Coding change: c.2968A>T on transcript NM_000548.5 (MANE Select); coding-DNA position 2968, A replaced by T.
Protein change: p.Arg990Trp; replaces arginine 990 with tryptophan.
Molecular consequence: missense variant. On other transcripts: splice acceptor variant (21), non-coding transcript variant (2).
Genome position (GRCh38, 1-based): chr16:2,079,033, A>T. VCF-style: chr16-2079033-A-T. GRCh37 (hg19) VCF-style: chr16-2129034-A-T.
Other names: c.2367-2A>T (NM_001406684.1); c.2238-2A>T (NM_001318831.2, NM_001406688.1, NM_001406687.1); c.2781-2A>T (NM_001406677.1); c.2820-2A>T (NM_001406676.1); c.2691-2A>T (NM_001406679.1); c.2871-2A>T (NM_001318832.2); c.1495A>T, p.Arg499Trp (NM_001406690.1, NM_001406692.1, NM_001406693.1 and 1 more transcripts); c.2839A>T, p.Arg947Trp (NM_021055.3, NM_001363528.2, NM_001370405.1); and 18 more; short protein forms R910W, R947W, R990W, R898W, R499W, R542W, R747W, R790W.
Identifiers: ClinVar variation 1474281 (VCV001474281.10), dbSNP rs753730009, ClinGen allele CA394283454.
Genomic context (GRCh38, chr16:2,079,033, plus strand): 5'-TAGGTGGCTCGGCCCGCCCTACCTGGCACCCTGACCCTGGTCACGGCCTCTCCCTCCAGC[A>T]GGATACAGACGTCCCTCACCAGTGCCAGCTTGGGGTCTGCAGATGAGAACTCCGTGGCCC-3'
Protein context (NP_000539.2, residues 980-1000): ISVSEHVVRS[Arg990Trp]IQTSLTSASL